The following is an entry in ClinVar:

NM_033028.5(BBS4):c.405+4A>G

Gene: BBS4 (Bardet-Biedl syndrome 4; plus strand). Cytogenetic location: 15q24.1.
Variant type: single nucleotide variant.
Coding change: c.405+4A>G on transcript NM_033028.5 (MANE Select); 4 bases into the intron after coding-DNA position 405, A replaced by G.
Molecular consequence: intron variant.
Genome position (GRCh38, 1-based): chr15:72,716,854, A>G. VCF-style: chr15-72716854-A-G. GRCh37 (hg19) VCF-style: chr15-73009195-A-G.
Other names: NC_000015.9:g.73009195A>G; c.405+4A>G (NM_001320665.2); c.-117+4A>G (NM_001252678.2).
Identifiers: ClinVar variation 3345557 (VCV003345557.2).

ClinVar aggregate classification (germline): Likely benign (0 of 4 stars; one submission).

Conditions:
BBS4-related disorder. Also called: BBS4-related condition.

Submissions (2):

PreventionGenetics, part of Exact Sciences
Classification: Likely benign for BBS4-related condition. Last evaluated: 2024-09-25. Review status: no assertion criteria provided. Collection method: clinical testing. Allele origin: germline.
Comment: This variant is classified as likely benign based on ACMG/AMP sequence variant interpretation guidelines (Richards et al. 2015 PMID: 25741868, with internal and published modifications).

Dr. Peter K. Rogan Lab, Western University
No classification provided (evidence only). Condition: Malignant tumor of esophagus. Review status: no classification provided. Collection method: in vitro. Allele origin: not applicable. Functional consequence: retained intron. Not counted in ClinVar's aggregate classification.